The following is an entry in ClinVar:

NM_018486.3(HDAC8):c.397G>A (p.Val133Ile)

Gene: HDAC8 (histone deacetylase 8; minus strand). Cytogenetic location: Xq13.1.
Variant type: single nucleotide variant.
Coding change: c.397G>A on transcript NM_018486.3 (MANE Select); coding-DNA position 397, G replaced by A.
Protein change: p.Val133Ile; replaces valine 133 with isoleucine.
Molecular consequence: missense variant. On other transcripts: non-coding transcript variant (4), intron variant (3).
Genome position (GRCh38, 1-based): chrX:72,567,929, C>T on the plus strand (G>A on the coding strand, the complement: HDAC8 is on the minus strand). VCF-style: chrX-72567929-C-T. GRCh37 (hg19) VCF-style: chrX-71787779-C-T.
Other names: c.397G>A, p.Val133Ile (NM_001166419.2, NM_001166420.2, NM_001166422.2 and 5 more transcripts); c.164+4128G>A (NM_001166418.2, NM_001410728.1, NM_001166448.2); short protein forms V133I.
Identifiers: ClinVar variation 4767899 (VCV004767899.1).

ClinVar aggregate classification (germline): Uncertain significance (1 of 4 stars; one submission).

Conditions:
Cornelia de Lange syndrome 5 (CDLS5). Also called: HDAC8-Related Cornelia de Lange Syndrome. Identifiers: Orphanet 199, MedGen C3550903, MONDO:0010471, OMIM 300882.

Submission:

Labcorp Genetics (formerly Invitae), Labcorp
Classification: Uncertain significance for Cornelia de Lange syndrome 5. Last evaluated: 2025-12-22. Review status: criteria provided, single submitter. Criteria: Invitae Variant Classification Sherloc (09022015). Collection method: clinical testing. Allele origin: germline.
Comment: This sequence change replaces valine, which is neutral and non-polar, with isoleucine, which is neutral and non-polar, at codon 133 of the HDAC8 protein (p.Val133Ile). This variant is not present in population databases (gnomAD no frequency). This variant has not been reported in the literature in individuals affected with HDAC8-related conditions. Invitae Evidence Modeling of protein sequence and biophysical properties (such as structural, functional, and spatial information, amino acid conservation, physicochemical variation, residue mobility, and thermodynamic stability) indicates that this missense variant is not expected to disrupt HDAC8 protein function with a negative predictive value of 80%. In summary, the available evidence is currently insufficient to determine the role of this variant in disease. Therefore, it has been classified as a Variant of Uncertain Significance.